The following is an entry in ClinVar:

ClinVar aggregate classification (germline): Likely pathogenic (1 of 4 stars; one submission).

Conditions:
Long QT syndrome (LQTS). Identifiers: MedGen C0023976, MeSH D008133, MONDO:0002442. Disease mechanism: loss of function. Inheritance: Various modes of inheritance.

Submission:

Labcorp Genetics (formerly Invitae), Labcorp
Classification: Likely pathogenic for Long QT syndrome. Last evaluated: 2021-10-28. Review status: criteria provided, single submitter. Criteria: Invitae Variant Classification Sherloc (09022015). Collection method: clinical testing. Allele origin: germline.
Comment: In summary, the currently available evidence indicates that the variant is pathogenic, but additional data are needed to prove that conclusively. Therefore, this variant has been classified as Likely Pathogenic. This variant results in a copy number gain of the genomic region encompassing exon(s) 2-10 of the KCNQ1 gene. While the exact position of this variant cannot be determined from the data, sub-genic copy number gains are generally in tandem (PMID: 25640679). This variant is predicted to be out-of-frame, and may result in an absent or disrupted protein product. Loss-of-function variants in KCNQ1 are known to be pathogenic (PMID: 9323054, 19862833). This variant has not been reported in the literature in individuals affected with KCNQ1-related conditions.

Literature cited by the submitters: PubMed 25640679; PubMed 9323054; PubMed 19862833.

NC_000011.9:g.(?_2549138)_(2610104_?)dup

Gene: KCNQ1 (potassium voltage-gated channel subfamily Q member 1; plus strand). Cytogenetic location: 11p15.5.
Variant type: Duplication.
Identifiers: ClinVar variation 2422600 (VCV002422600.5).